The following is an entry in ClinVar:

ClinVar aggregate classification (germline): Uncertain significance. Review status: criteria provided, multiple submitters, no conflicts (2 of 4 stars). 2 submissions from 2 submitters: Uncertain significance (2). Last evaluated 2024-10-24.

Conditions:
Inborn genetic diseases. Identifiers: MedGen C0950123, MeSH D030342.
Charcot-Marie-Tooth disease dominant intermediate B (CMTDIB). Also called: Charcot-Marie-Tooth disease dominant intermediate 1; CMT DI1; Charcot-Marie-Tooth disease dominant intermediate I; CHARCOT-MARIE-TOOTH NEUROPATHY, DOMINANT INTERMEDIATE B. Identifiers: Orphanet 100044, Orphanet 228179, MedGen C1847902, MONDO:0011674, OMIM 606482.

Submissions (2):

Labcorp Genetics (formerly Invitae), Labcorp
Classification: Uncertain significance for Charcot-Marie-Tooth disease dominant intermediate B. Last evaluated: 2024-10-24. Review status: criteria provided, single submitter. Criteria: Invitae Variant Classification Sherloc (09022015). Collection method: clinical testing. Allele origin: germline.
Comment: This sequence change replaces arginine, which is basic and polar, with histidine, which is basic and polar, at codon 364 of the DNM2 protein (p.Arg364His). This variant is not present in population databases (gnomAD no frequency). This missense change has been observed in individual(s) with clinical features of Charcot-Marie-Tooth disease (PMID: 29653220). ClinVar contains an entry for this variant (Variation ID: 1043275). Invitae Evidence Modeling of protein sequence and biophysical properties (such as structural, functional, and spatial information, amino acid conservation, physicochemical variation, residue mobility, and thermodynamic stability) has been performed for this missense variant. However, the output from this modeling did not meet the statistical confidence thresholds required to predict the impact of this variant on DNM2 protein function. This variant disrupts the p.Arg364 amino acid residue in DNM2. Other variant(s) that disrupt this residue have been observed in individuals with DNM2-related conditions (PMID: 30208955), which suggests that this may be a clinically significant amino acid residue. In summary, the available evidence is currently insufficient to determine the role of this variant in disease. Therefore, it has been classified as a Variant of Uncertain Significance.

Ambry Genetics
Classification: Uncertain significance for Inborn genetic diseases. Last evaluated: 2023-12-19. Review status: criteria provided, single submitter. Criteria: Ambry Variant Classification Scheme 2023. Collection method: clinical testing. Allele origin: germline.

Literature cited by the submitters: PubMed 29653220 (cited by Labcorp Genetics (formerly Invitae), Labcorp and Ambry Genetics); PubMed 30208955 (cited by Labcorp Genetics (formerly Invitae), Labcorp).

NM_001005361.3(DNM2):c.1091G>A (p.Arg364His)

Gene: DNM2 (dynamin 2; plus strand). Cytogenetic location: 19p13.2.
Variant type: single nucleotide variant.
Coding change: c.1091G>A on transcript NM_001005361.3 (MANE Select); coding-DNA position 1091, G replaced by A.
Protein change: p.Arg364His; replaces arginine 364 with histidine.
Molecular consequence: missense variant.
Genome position (GRCh38, 1-based): chr19:10,793,818, G>A. VCF-style: chr19-10793818-G-A. GRCh37 (hg19) VCF-style: chr19-10904494-G-A.
Other names: c.1091G>A (NM_001005360.2); c.1091G>A, p.Arg364His (NM_001005360.3, NM_001005362.3, NM_001190716.2 and 1 more transcripts); short protein forms R364H.
Identifiers: ClinVar variation 1043275 (VCV001043275.9), dbSNP rs2071835414, ClinGen allele CA404048016.